The following is an entry in ClinVar:

NM_181486.4(TBX5):c.1550A>T (p.Asn517Ile)

Gene: TBX5 (T-box transcription factor 5; minus strand). Cytogenetic location: 12q24.21.
Variant type: single nucleotide variant.
Coding change: c.1550A>T on transcript NM_181486.4 (MANE Select); coding-DNA position 1550, A replaced by T.
Protein change: p.Asn517Ile; replaces asparagine 517 with isoleucine.
Molecular consequence: missense variant.
Genome position (GRCh38, 1-based): chr12:114,355,539, T>A on the plus strand (A>T on the coding strand, the complement: TBX5 is on the minus strand). VCF-style: chr12-114355539-T-A. GRCh37 (hg19) VCF-style: chr12-114793344-T-A.
Other names: c.1550A>T, p.Asn517Ile (NM_000192.3); c.1400A>T, p.Asn467Ile (NM_080717.4); short protein forms N467I, N517I.
Identifiers: ClinVar variation 3804936 (VCV003804936.1).

ClinVar aggregate classification (germline): Uncertain significance (1 of 4 stars; one submission).

Conditions:
Cardiovascular phenotype. Identifiers: MedGen CN230736.

gnomAD v4.1: 2 of 1,614,130 alleles (0.00012%); highest among the groups gnomAD compares: South Asian, 0.0022%; no homozygotes.

Submission:

Ambry Genetics
Classification: Uncertain significance for Cardiovascular phenotype. Last evaluated: 2025-02-04. Review status: criteria provided, single submitter. Criteria: Ambry Variant Classification Scheme 2023. Collection method: clinical testing. Allele origin: germline.
Comment: The p.N517I variant (also known as c.1550A>T), located in coding exon 8 of the TBX5 gene, results from an A to T substitution at nucleotide position 1550. The asparagine at codon 517 is replaced by isoleucine, an amino acid with dissimilar properties. This amino acid position is conserved. In addition, the in silico prediction for this alteration is inconclusive. Based on the available evidence, the clinical significance of this variant remains unclear.